The following is an entry in ClinVar:

ClinVar aggregate classification (germline): Uncertain significance (1 of 4 stars; one submission).

gnomAD v4.1: 2 of 1,613,984 alleles (0.00012%); highest among the groups gnomAD compares: African/African-American, 0.0027%; no homozygotes.

Submission:

Labcorp Genetics (formerly Invitae), Labcorp
Classification: Uncertain significance. Last evaluated: 2025-11-27. Review status: criteria provided, single submitter. Criteria: Invitae Variant Classification Sherloc (09022015). Collection method: clinical testing. Allele origin: germline.
Comment: This sequence change replaces serine, which is neutral and polar, with glycine, which is neutral and non-polar, at codon 59 of the MBD4 protein (p.Ser59Gly). This variant is present in population databases (no rsID available, gnomAD 0.007%). This variant has not been reported in the literature in individuals affected with MBD4-related conditions. ClinVar contains an entry for this variant (Variation ID: 3669759). An algorithm developed to predict the effect of missense changes on protein structure and function (PolyPhen-2) suggests that this variant is likely to be tolerated. In summary, the available evidence is currently insufficient to determine the role of this variant in disease. Therefore, it has been classified as a Variant of Uncertain Significance.

NM_001276270.2(MBD4):c.175A>G (p.Ser59Gly)

Gene: MBD4 (methyl-CpG binding domain 4, DNA glycosylase; minus strand). Cytogenetic location: 3q21.3.
Variant type: single nucleotide variant.
Coding change: c.175A>G on transcript NM_001276270.2 (MANE Select); coding-DNA position 175, A replaced by G.
Protein change: p.Ser59Gly; replaces serine 59 with glycine.
Molecular consequence: missense variant.
Genome position (GRCh38, 1-based): chr3:129,437,880, T>C on the plus strand (A>G on the coding strand, the complement: MBD4 is on the minus strand). VCF-style: chr3-129437880-T-C. GRCh37 (hg19) VCF-style: chr3-129156723-T-C.
Other names: c.175A>G, p.Ser59Gly (NM_001276271.2, NM_001276272.2, NM_001276273.2 and 1 more transcripts); short protein forms S59G.
Identifiers: ClinVar variation 3669759 (VCV003669759.2).